The following is an entry in ClinVar:

NM_000052.7(ATP7A):c.2984T>G (p.Val995Gly)

Gene: ATP7A (ATPase copper transporting alpha; plus strand). Cytogenetic location: Xq21.1.
Variant type: single nucleotide variant.
Coding change: c.2984T>G on transcript NM_000052.7 (MANE Select); coding-DNA position 2984, T replaced by G.
Protein change: p.Val995Gly; replaces valine 995 with glycine.
Molecular consequence: missense variant.
Genome position (GRCh38, 1-based): chrX:78,029,317, T>G. VCF-style: chrX-78029317-T-G. GRCh37 (hg19) VCF-style: chrX-77284814-T-G.
Other names: c.2750T>G, p.Val917Gly (NM_001282224.2); short protein forms V917G, V995G.
Identifiers: ClinVar variation 1037726 (VCV001037726.9), dbSNP rs2077967548, ClinGen allele CA413603145.
Genomic context (GRCh38, chrX:78,029,317, plus strand): 5'-ATAGAAGTATCTCCCGAACAGAAACGATAATACGATTTGCTTTCCAAGCCTCTATCACAG[T>G]TCTGTGTATTGCATGTCCCTGTTCACTGGGACTGGCCACTCCAACTGCTGTGATGGTGGG-3'
Protein context (NP_000043.4, residues 985-1005): IRFAFQASIT[Val995Gly]LCIACPCSLG

ClinVar aggregate classification (germline): Uncertain significance (1 of 4 stars; one submission).

Conditions:
Menkes kinky-hair syndrome (MNK). Also called: Copper transport disease; Classic Menkes Disease; Menkes Disease. Identifiers: Orphanet 565, MedGen C0022716, MONDO:0010651, OMIM 309400.
Cutis laxa, X-linked (OHS). Also called: EDS IX; Occipital horn syndrome. Identifiers: Orphanet 198, MedGen C0268353, MONDO:0010572, OMIM 304150.
X-linked distal spinal muscular atrophy type 3. Also called: SPINAL MUSCULAR ATROPHY, DISTAL, X-LINKED RECESSIVE; ATP7A-Related Distal Motor Neuropathy; NEURONOPATHY, DISTAL HEREDITARY MOTOR, X-LINKED; NEUROPATHY, DISTAL HEREDITARY MOTOR, X-LINKED. Identifiers: Orphanet 139557, MedGen C1845359, MONDO:0010338, OMIM 300489.

Submission:

Labcorp Genetics (formerly Invitae), Labcorp
Classification: Uncertain significance for X-linked distal spinal muscular atrophy type 3; Cutis laxa, X-linked; Menkes kinky-hair syndrome. Last evaluated: 2020-06-22. Review status: criteria provided, single submitter. Criteria: Invitae Variant Classification Sherloc (09022015). Collection method: clinical testing. Allele origin: germline.
Comment: This sequence change replaces valine with glycine at codon 995 of the ATP7A protein (p.Val995Gly). The valine residue is highly conserved and there is a moderate physicochemical difference between valine and glycine. This variant is not present in population databases (ExAC no frequency). This variant has not been reported in the literature in individuals with ATP7A-related conditions. Algorithms developed to predict the effect of missense changes on protein structure and function are either unavailable or do not agree on the potential impact of this missense change (SIFT: "Deleterious"; PolyPhen-2: "Probably Damaging"; Align-GVGD: "Class C0"). Algorithms developed to predict the effect of sequence changes on RNA splicing suggest that this variant may create or strengthen a splice site, but this prediction has not been confirmed by published transcriptional studies. In summary, the available evidence is currently insufficient to determine the role of this variant in disease. Therefore, it has been classified as a Variant of Uncertain Significance.